The following is an entry in ClinVar:

ClinVar aggregate classification (germline): Uncertain significance (1 of 4 stars; one submission).

Conditions:
MED12-Related Disorders. Also called: MED12-related condition; MED12-related disorder. Identifiers: MedGen CN381102.

Submission:

PreventionGenetics, part of Exact Sciences
Classification: Uncertain significance for MED12-related condition. Last evaluated: 2026-08-26. Review status: criteria provided, single submitter. Criteria: ACMG Guidelines, 2015. Collection method: clinical testing. Allele origin: germline.
Comment: The MED12 c.6384_6389dup6 variant is predicted to result in an in-frame duplication (p.Pro2131_Gln2132dup). To our knowledge, this variant has not been reported in the literature or in a large population database (gnomAD), indicating this variant is rare. At this time, the clinical significance of this variant is uncertain due to the absence of conclusive functional and genetic evidence.

NM_005120.3(MED12):c.6384_6389dup (p.Gln2132_Ser2133insProGln)

Gene: MED12 (mediator complex subunit 12; plus strand). Cytogenetic location: Xq13.1.
Variant type: Duplication.
Coding change: c.6384_6389dup on transcript NM_005120.3 (MANE Select); coding-DNA positions 6384 to 6389, 6 bases duplicated (ACCCCA; older notation c.6384_6389dupACCCCA).
Protein change: p.Gln2132_Ser2133insProGln.
Molecular consequence: inframe insertion.
Genome position (GRCh38, 1-based): chrX:71,141,346-71,141,351, ACCCCA duplicated; duplicating any 6 consecutive bases within chrX:71,141,341-71,141,351 gives the same sequence; the c. name uses the placement nearest the transcript's 3' end. VCF-style (leftmost placement, unchanged base first): chrX-71141340-T-TCCCCAA. GRCh37 (hg19) VCF-style: chrX-70361190-T-TCCCCAA.
Identifiers: ClinVar variation 2632644 (VCV002632644.2), dbSNP rs2519723293, ClinGen allele CA2695197136.
Genomic context (GRCh38, chrX:71,141,340, plus strand): 5'-GCAGCAGCAGCAACAGCAACAACAGCAACACCAGCAGCAACAGCAGCAACAGGCGGCTCC[T>TCCCCAA]CCCCAACCCCAGCCCCAGTCCCAGCCCCAGGTAGCTGCTGGACTACAGCCCCAGGCTCAG-3'